The following is an entry in ClinVar:

ClinVar aggregate classification (germline): Likely benign (1 of 4 stars; one submission).

gnomAD v4.1: 1 of 1,603,022 alleles (0.000062%); highest among the groups gnomAD compares: Non-Finnish European, 0.000085%; no homozygotes.

Submission:

CeGaT Center for Human Genetics Tuebingen
Classification: Likely benign. Last evaluated: 2022-05-01. Review status: criteria provided, single submitter. Criteria: CeGaT Center For Human Genetics Tuebingen Variant Classification Criteria Version 2. Collection method: clinical testing. Allele origin: germline. Affected: yes. Observed: 1 variant allele.
Comment: DNAH17: PM2:Supporting, BP4, BP7

NM_173628.4(DNAH17):c.5508C>T (p.Ser1836=)

Genes: DNAH17 (dynein axonemal heavy chain 17; minus strand), DNAH17-AS1 (DNAH17 antisense RNA 1; plus strand). Cytogenetic location: 17q25.3.
Variant type: single nucleotide variant.
Coding change: c.5508C>T on transcript NM_173628.4 (MANE Select); coding-DNA position 5508, C replaced by T.
Protein change: p.Ser1836=; no amino-acid change (serine 1836 retained).
Molecular consequence: synonymous variant. On other transcripts: non-coding transcript variant (1).
Genome position (GRCh38, 1-based): chr17:78,500,437, G>A on the plus strand (C>T on the coding strand, the complement: DNAH17 is on the minus strand). VCF-style: chr17-78500437-G-A. GRCh37 (hg19) VCF-style: chr17-76496519-G-A.
Identifiers: ClinVar variation 2648365 (VCV002648365.24), dbSNP rs779165920, ClinGen allele CA502089851.